The following is an entry in ClinVar:

NM_138792.4(LEO1):c.63T>C (p.Ser21=)

Gene: LEO1 (LEO1 homolog, Paf1/RNA polymerase II complex component; minus strand). Cytogenetic location: 15q21.2.
Variant type: single nucleotide variant.
Coding change: c.63T>C on transcript NM_138792.4 (MANE Select); coding-DNA position 63, T replaced by C.
Protein change: p.Ser21=; no amino-acid change (serine 21 retained).
Molecular consequence: synonymous variant.
Genome position (GRCh38, 1-based): chr15:51,966,500, A>G on the plus strand (T>C on the coding strand, the complement: LEO1 is on the minus strand). VCF-style: chr15-51966500-A-G. GRCh37 (hg19) VCF-style: chr15-52258697-A-G.
Other names: c.63T>C, p.Ser21= (NM_001286430.2, NM_001323903.2, NM_001323904.2 and 2 more transcripts).
Identifiers: ClinVar variation 3037915 (VCV003037915.2), dbSNP rs78529090, ClinGen allele CA7564743.
Genomic context (GRCh38, chr15:51,966,500, plus strand): 5'-AGAGGCATTACTGCCAGAGGCAGCATTCTCTTGATCAGAATCTGAGTCAGATCCAGAATC[A>G]GAATCTATGGGGTCATATAAACATAGGATAACATAAGCAAAAAAAGGCAGAGTAAGGCAG-3'
Protein context (NP_620147.1, residues 11-31): DADSEAERKD[Ser21=]DSGSDSDSDQ

ClinVar aggregate classification (germline): Benign (0 of 4 stars; one submission).

Conditions:
LEO1-related disorder. Also called: LEO1-related condition.

Allele frequency attached by ClinVar (database versions not stated): gnomAD exomes 0.00451; ExAC 0.01008; ESP Exome Variant Server 0.01258; gnomAD 0.01537; TOPMed 0.01715; 1000 Genomes Project 30x 0.02826; 1000 Genomes Project 0.03055.
gnomAD v4.1: 8,861 of 1,563,992 alleles (0.57%); highest among the groups gnomAD compares: East Asian, 9.1%; 280 homozygotes.

Submission:

PreventionGenetics, part of Exact Sciences
Classification: Benign for LEO1-related condition. Last evaluated: 2019-09-30. Review status: no assertion criteria provided. Collection method: clinical testing. Allele origin: germline.
Comment: This variant is classified as benign based on ACMG/AMP sequence variant interpretation guidelines (Richards et al. 2015 PMID: 25741868, with internal and published modifications).